The following is an entry in ClinVar:

ClinVar aggregate classification (germline): Uncertain significance (1 of 4 stars; one submission).

Submission:

GeneDx
Classification: Uncertain significance. Last evaluated: 2024-04-01. Review status: criteria provided, single submitter. Criteria: GeneDx Variant Classification Process June 2021. Collection method: clinical testing. Allele origin: germline. Affected: yes.
Comment: Not observed at significant frequency in large population cohorts (gnomAD); In silico analysis supports that this missense variant does not alter protein structure/function; Has not been previously published as pathogenic or benign to our knowledge

NM_020987.5(ANK3):c.11861T>C (p.Val3954Ala)

Gene: ANK3 (ankyrin 3; minus strand). Cytogenetic location: 10q21.2.
Variant type: single nucleotide variant.
Coding change: c.11861T>C on transcript NM_020987.5 (MANE Select); coding-DNA position 11861, T replaced by C.
Protein change: p.Val3954Ala; replaces valine 3954 with alanine.
Molecular consequence: missense variant. On other transcripts: intron variant (4).
Genome position (GRCh38, 1-based): chr10:60,069,020, A>G on the plus strand (T>C on the coding strand, the complement: ANK3 is on the minus strand). VCF-style: chr10-60069020-A-G. GRCh37 (hg19) VCF-style: chr10-61828778-A-G.
Other names: c.4388-1011T>C (NM_001204403.2); c.4409-1011T>C (NM_001204404.2); c.4406-1011T>C (NM_001320874.2); c.1808-1011T>C (NM_001149.4); short protein forms V3954A.
Identifiers: ClinVar variation 3371630 (VCV003371630.1).